The following is an entry in ClinVar:

NM_021020.5(LZTS1):c.1075C>G (p.Leu359Val)

Gene: LZTS1 (leucine zipper tumor suppressor 1; minus strand). Cytogenetic location: 8p21.3.
Variant type: single nucleotide variant.
Coding change: c.1075C>G on transcript NM_021020.5 (MANE Select); coding-DNA position 1075, C replaced by G.
Protein change: p.Leu359Val; replaces leucine 359 with valine.
Molecular consequence: missense variant.
Genome position (GRCh38, 1-based): chr8:20,252,856, G>C on the plus strand (C>G on the coding strand, the complement: LZTS1 is on the minus strand). VCF-style: chr8-20252856-G-C. GRCh37 (hg19) VCF-style: chr8-20110367-G-C.
Other names: c.1075C>G, p.Leu359Val (NM_001362884.2); short protein forms L359V.
Identifiers: ClinVar variation 2966309 (VCV002966309.3), dbSNP rs1352656486, ClinGen allele CA370476925.

ClinVar aggregate classification (germline): Uncertain significance (1 of 4 stars; one submission).

Allele frequency attached by ClinVar (database versions not stated): TOPMed below 0.00001; gnomAD exomes 0.00001.
gnomAD v4.1: 4 of 1,596,002 alleles (0.00025%); highest among the groups gnomAD compares: Admixed American, 0.0035%; no homozygotes.

Submission:

Labcorp Genetics (formerly Invitae), Labcorp
Classification: Uncertain significance. Last evaluated: 2025-06-10. Review status: criteria provided, single submitter. Criteria: Invitae Variant Classification Sherloc (09022015). Collection method: clinical testing. Allele origin: germline.
Comment: This sequence change replaces leucine, which is neutral and non-polar, with valine, which is neutral and non-polar, at codon 359 of the LZTS1 protein (p.Leu359Val). This variant is present in population databases (no rsID available, gnomAD 0.006%). This variant has not been reported in the literature in individuals affected with LZTS1-related conditions. ClinVar contains an entry for this variant (Variation ID: 2966309). Invitae Evidence Modeling of protein sequence and biophysical properties (such as structural, functional, and spatial information, amino acid conservation, physicochemical variation, residue mobility, and thermodynamic stability) indicates that this missense variant is not expected to disrupt LZTS1 protein function with a negative predictive value of 80%. In summary, the available evidence is currently insufficient to determine the role of this variant in disease. Therefore, it has been classified as a Variant of Uncertain Significance.